The following is an entry in ClinVar:

ClinVar aggregate classification (germline): Benign/Likely benign. Review status: criteria provided, multiple submitters, no conflicts (2 of 4 stars). 6 submissions from 6 submitters: Benign (2); Likely benign (4). Last evaluated 2026-05-01.

Conditions:
Renal cell carcinoma. Identifiers: Orphanet 217071, MedGen C0007134, MeSH D002292, MONDO:0005086, HP:0005584.
Hereditary cancer-predisposing syndrome. Also called: Tumor predisposition; Hereditary neoplastic syndrome; Hereditary Cancer Syndrome; Neoplastic Syndromes, Hereditary. Identifiers: Orphanet 140162, MedGen C0027672, MeSH D009386, MONDO:0015356.
Papillary renal cell carcinoma type 1 (RCCP1). Also called: Renal adenocarcinoma; Renal cell carcinoma 1; Renal cell carcinoma, somatic; RENAL CELL CARCINOMA, PAPILLARY, 1, SOMATIC. Identifiers: Orphanet 47044, MedGen C1336839, OMIM 605074, HP:0011797.

Allele frequency attached by ClinVar (database versions not stated): ESP Exome Variant Server 0.00017; 1000 Genomes Project 0.00020; 1000 Genomes Project 30x 0.00031; gnomAD 0.00007 and 0.00008; TOPMed 0.00007.
gnomAD v4.1: 43 of 1,613,932 alleles (0.0027%); highest among the groups gnomAD compares: East Asian, 0.016%; no homozygotes.

Submissions (6):

CeGaT Center for Human Genetics Tuebingen
Classification: Likely benign. Last evaluated: 2026-05-01. Review status: criteria provided, single submitter. Criteria: CeGaT Center For Human Genetics Tuebingen Variant Classification Criteria Version 2. Collection method: clinical testing. Allele origin: germline. Affected: yes. Observed: 1 variant allele.
Comment: MET: BP4, BP7

Labcorp Genetics (formerly Invitae), Labcorp
Classification: Likely benign for Renal cell carcinoma. Last evaluated: 2025-12-26. Review status: criteria provided, single submitter. Criteria: Invitae Variant Classification Sherloc (09022015). Collection method: clinical testing. Allele origin: germline.

Myriad Genetics, Inc.
Classification: Benign for Papillary renal cell carcinoma type 1. Last evaluated: 2024-11-06. Review status: criteria provided, single submitter. Criteria: Myriad Autosomal Dominant, Autosomal Recessive and X-Linked Classification Criteria (2023). Collection method: clinical testing. Allele origin: unknown.
Comment: This variant is considered benign. This variant is a silent/synonymous amino acid change and it is not expected to impact splicing.

Blueprint Genetics
Classification: Likely benign. Last evaluated: 2024-10-17. Review status: criteria provided, single submitter. Criteria: ACMG Guidelines, 2015. Collection method: clinical testing. Allele origin: germline.

Illumina Laboratory Services, Illumina
Classification: Benign for Papillary renal cell carcinoma type 1. Last evaluated: 2018-01-12. Review status: criteria provided, single submitter. Criteria: ICSL Variant Classification Criteria 13 December 2019. Collection method: clinical testing. Allele origin: germline.
Comment: This variant was observed in the ICSL laboratory as part of a predisposition screen in an ostensibly healthy population. It had not been previously curated by ICSL or reported in the Human Gene Mutation Database (HGMD: prior to June 1st, 2018), and was therefore a candidate for classification through an automated scoring system. Utilizing variant allele frequency, disease prevalence and penetrance estimates, and inheritance mode, an automated score was calculated to assess if this variant is too frequent to cause the disease. Based on the score and internal cut-off values, a variant classified as benign is not then subjected to further curation. The score for this variant resulted in a classification of benign for this disease.

Ambry Genetics
Classification: Likely benign for Hereditary cancer-predisposing syndrome. Last evaluated: 2015-07-03. Review status: criteria provided, single submitter. Criteria: Ambry Variant Classification Scheme 2023. Collection method: clinical testing. Allele origin: germline.

NM_000245.4(MET):c.960G>A (p.Ala320=)

Gene: MET (MET proto-oncogene, receptor tyrosine kinase; plus strand). Cytogenetic location: 7q31.2.
Variant type: single nucleotide variant.
Coding change: c.960G>A on transcript NM_000245.4 (MANE Select); coding-DNA position 960, G replaced by A.
Protein change: p.Ala320=; no amino-acid change (alanine 320 retained).
Molecular consequence: synonymous variant. On other transcripts: intron variant (1).
Genome position (GRCh38, 1-based): chr7:116,700,044, G>A. VCF-style: chr7-116700044-G-A. GRCh37 (hg19) VCF-style: chr7-116340098-G-A.
Other names: c.960G>A, p.Ala320= (NM_001127500.3, NM_001324401.3); c.-91+27467G>A (NM_001324402.2).
Identifiers: ClinVar variation 135979 (VCV000135979.23), dbSNP rs191198682, ClinGen allele CA332704.